The following is an entry in ClinVar:

NM_000789.4(ACE):c.3132C>T (p.Ser1044=)

Gene: ACE (angiotensin I converting enzyme; plus strand). Cytogenetic location: 17q23.3.
Variant type: single nucleotide variant.
Coding change: c.3132C>T on transcript NM_000789.4 (MANE Select); coding-DNA position 3132, C replaced by T.
Protein change: p.Ser1044=; no amino-acid change (serine 1044 retained).
Molecular consequence: synonymous variant.
Genome position (GRCh38, 1-based): chr17:63,493,655, C>T. VCF-style: chr17-63493655-C-T. GRCh37 (hg19) VCF-style: chr17-61571016-C-T.
Other names: c.1410C>T, p.Ser470= (NM_001178057.2, NM_152830.3).
Identifiers: ClinVar variation 718371 (VCV000718371.39), dbSNP rs150690061, ClinGen allele CA8700368.

ClinVar aggregate classification (germline): Conflicting classifications of pathogenicity. Review status: criteria provided, conflicting classifications (1 of 4 stars). 4 submissions from 4 submitters: Uncertain significance (1); Likely benign (3). Last evaluated 2026-01-05.

Conditions:
Renal tubular dysgenesis. Also called: Renotubular dysgenesis. Identifiers: Orphanet 3033, MedGen C0266313, MONDO:0017609, HP:0008660.

Allele frequency attached by ClinVar (database versions not stated): 1000 Genomes Project 30x 0.00016; 1000 Genomes Project 0.00020; gnomAD 0.00100 and 0.00101; gnomAD exomes 0.00100 and 0.00149; TOPMed 0.00107; ESP Exome Variant Server 0.00108; ExAC 0.00110.

Submissions (4):

Labcorp Genetics (formerly Invitae), Labcorp
Classification: Likely benign. Last evaluated: 2026-01-05. Review status: criteria provided, single submitter. Criteria: Invitae Variant Classification Sherloc (09022015). Collection method: clinical testing. Allele origin: germline.

CeGaT Center for Human Genetics Tuebingen
Classification: Likely benign. Last evaluated: 2025-05-01. Review status: criteria provided, single submitter. Criteria: CeGaT Center For Human Genetics Tuebingen Variant Classification Criteria Version 2. Collection method: clinical testing. Allele origin: germline. Affected: yes. Observed: 2 variant alleles.
Comment: ACE: BP4, BP7

Blueprint Genetics
Classification: Likely benign. Last evaluated: 2024-11-26. Review status: criteria provided, single submitter. Criteria: ACMG Guidelines, 2015. Collection method: clinical testing. Allele origin: germline.

Illumina Laboratory Services, Illumina
Classification: Uncertain significance for Renal tubular dysgenesis of genetic origin. Last evaluated: 2018-01-13. Review status: criteria provided, single submitter. Criteria: ICSL Variant Classification Criteria 13 December 2019. Collection method: clinical testing. Allele origin: germline.